The following is an entry in ClinVar:

ClinVar aggregate classification (germline): Uncertain significance (1 of 4 stars; one submission).

Submission:

GeneDx
Classification: Uncertain significance. Last evaluated: 2025-02-12. Review status: criteria provided, single submitter. Criteria: GeneDx Variant Classification Process June 2021. Collection method: clinical testing. Allele origin: germline. Affected: yes.
Comment: Not observed at significant frequency in large population cohorts (gnomAD); In silico analysis supports that this missense variant has a deleterious effect on protein structure/function; Has not been previously published as pathogenic or benign to our knowledge

NM_000217.3(KCNA1):c.697T>C (p.Ser233Pro)

Gene: KCNA1 (potassium voltage-gated channel subfamily A member 1; plus strand). Cytogenetic location: 12p13.32.
Variant type: single nucleotide variant.
Coding change: c.697T>C on transcript NM_000217.3 (MANE Select); coding-DNA position 697, T replaced by C.
Protein change: p.Ser233Pro; replaces serine 233 with proline.
Molecular consequence: missense variant.
Genome position (GRCh38, 1-based): chr12:4,912,075, T>C. VCF-style: chr12-4912075-T-C. GRCh37 (hg19) VCF-style: chr12-5021241-T-C.
Other names: short protein forms S233P.
Identifiers: ClinVar variation 4075628 (VCV004075628.1).